The following is an entry in ClinVar:

ClinVar aggregate classification (germline): Uncertain significance. Review status: criteria provided, multiple submitters, no conflicts (2 of 4 stars). 2 submissions from 2 submitters: Uncertain significance (2). Last evaluated 2025-05-23.

Conditions:
Charcot-Marie-Tooth disease type 2. Also called: Charcot-Marie-Tooth type 2. Identifiers: Orphanet 64746, MedGen C0270914, MONDO:0018993.

Submissions (2):

ARUP Laboratories, Molecular Genetics and Genomics, ARUP Laboratories
Classification: Uncertain significance. Last evaluated: 2025-05-23. Review status: criteria provided, single submitter. Criteria: ARUP Molecular Germline Variant Investigation Process 2024. Collection method: clinical testing. Allele origin: germline.
Comment: The MFN2 c.466A>G; p.Ser156Gly variant (rs1638905291), to our knowledge, is not reported in the medical literature but is reported in ClinVar (Variation ID: 956446). This variant is absent from the Genome Aggregation Database (v2.1.1), indicating it is not a common polymorphism. Computational analyses are uncertain whether this variant is neutral or deleterious (REVEL: 0.424). Due to limited information, the clinical significance of this variant is uncertain at this time.

Labcorp Genetics (formerly Invitae), Labcorp
Classification: Uncertain significance for Charcot-Marie-Tooth disease type 2. Last evaluated: 2019-07-09. Review status: criteria provided, single submitter. Criteria: Invitae Variant Classification Sherloc (09022015). Collection method: clinical testing. Allele origin: germline.
Comment: In summary, the available evidence is currently insufficient to determine the role of this variant in disease. Therefore, it has been classified as a Variant of Uncertain Significance. Algorithms developed to predict the effect of missense changes on protein structure and function (SIFT, PolyPhen-2, Align-GVGD) all suggest that this variant is likely to be tolerated, but these predictions have not been confirmed by published functional studies and their clinical significance is uncertain. This variant has not been reported in the literature in individuals with MFN2-related conditions. This variant is not present in population databases (ExAC no frequency). This sequence change replaces serine with glycine at codon 156 of the MFN2 protein (p.Ser156Gly). The serine residue is highly conserved and there is a small physicochemical difference between serine and glycine.

NM_014874.4(MFN2):c.466A>G (p.Ser156Gly)

Gene: MFN2 (mitofusin 2; plus strand). Cytogenetic location: 1p36.22.
Variant type: single nucleotide variant.
Coding change: c.466A>G on transcript NM_014874.4 (MANE Select); coding-DNA position 466, A replaced by G.
Protein change: p.Ser156Gly; replaces serine 156 with glycine.
Molecular consequence: missense variant.
Genome position (GRCh38, 1-based): chr1:11,996,310, A>G. VCF-style: chr1-11996310-A-G. GRCh37 (hg19) VCF-style: chr1-12056367-A-G.
Other names: c.466A>G, p.Ser156Gly (NM_001127660.2); short protein forms S156G.
Identifiers: ClinVar variation 956446 (VCV000956446.10), dbSNP rs1638905291, ClinGen allele CA338435195.